The following is an entry in ClinVar:

NM_000443.4(ABCB4):c.1314G>A (p.Thr438=)

Gene: ABCB4 (ATP binding cassette subfamily B member 4; minus strand). Cytogenetic location: 7q21.12.
Variant type: single nucleotide variant.
Coding change: c.1314G>A on transcript NM_000443.4 (MANE Select); coding-DNA position 1314, G replaced by A.
Protein change: p.Thr438=; no amino-acid change (threonine 438 retained).
Molecular consequence: synonymous variant.
Genome position (GRCh38, 1-based): chr7:87,443,361, C>T on the plus strand (G>A on the coding strand, the complement: ABCB4 is on the minus strand). VCF-style: chr7-87443361-C-T. GRCh37 (hg19) VCF-style: chr7-87072677-C-T.
Other names: c.1314G>A, p.Thr438= (NM_018849.3, NM_018850.3).
Identifiers: ClinVar variation 281138 (VCV000281138.44), dbSNP rs45624933, ClinGen allele CA4327316.

ClinVar aggregate classification (germline): Benign/Likely benign. Review status: criteria provided, multiple submitters, no conflicts (2 of 4 stars). 9 submissions from 8 submitters: Benign (4); Likely benign (5). Last evaluated 2026-07-01.

Conditions:
Familial intrahepatic cholestasis. Identifiers: Orphanet 284385, MedGen CN296401, MONDO:0017290.
Cholestasis, intrahepatic, of pregnancy, 3. Identifiers: Orphanet 69665, MedGen C3554241, MONDO:0013995, OMIM 614972.
Progressive familial intrahepatic cholestasis type 3. Also called: Low Gamma-GT Familial Intrahepatic Cholestasis; MDR3 DEFICIENCY. Identifiers: Orphanet 79305, MedGen C1865643, MONDO:0011214, OMIM 602347.

Allele frequency attached by ClinVar (database versions not stated): 1000 Genomes Project 30x 0.00219; 1000 Genomes Project 0.00260; TOPMed 0.00366; ESP Exome Variant Server 0.00377; gnomAD 0.00465 and 0.00490.
gnomAD v4.1: 7,970 of 1,614,046 alleles (0.49%); highest among the groups gnomAD compares: Non-Finnish European, 0.53%; 25 homozygotes.

Submissions (9):

CeGaT Center for Human Genetics Tuebingen
Classification: Likely benign. Last evaluated: 2026-07-01. Review status: criteria provided, single submitter. Criteria: CeGaT Center For Human Genetics Tuebingen Variant Classification Criteria Version 2. Collection method: clinical testing. Allele origin: germline. Affected: yes. Observed: 5 variant alleles.
Comment: ABCB4: BP4, BP7, BS2

Genomenon, Inc
Classification: Likely benign for Familial intrahepatic cholestasis. Last evaluated: 2026-04-14. Review status: criteria provided, single submitter. Criteria: Genomenon Sequence Variant Interpretation Standards - Updated. Collection method: curation. Allele origin: germline. Affected: yes.
Comment: ABCB4 c.1314G>A is a synonymous variant that retains Threonine at residue 438. This variant has been observed in at least one proband with an ABCB4-related disorder (PMID:28733223). This synonymous variant is not predicted to impact splicing. In conclusion, we classify ABCB4 p.Thr438= (c.1314G>A) as a likely benign variant.

Labcorp Genetics (formerly Invitae), Labcorp
Classification: Benign. Last evaluated: 2026-02-04. Review status: criteria provided, single submitter. Criteria: Invitae Variant Classification Sherloc (09022015). Collection method: clinical testing. Allele origin: germline.

Blueprint Genetics
Classification: Likely benign. Last evaluated: 2024-11-21. Review status: criteria provided, single submitter. Criteria: ACMG Guidelines, 2015. Collection method: clinical testing. Allele origin: germline.

GeneDx
Classification: Likely benign. Last evaluated: 2018-02-01. Review status: criteria provided, single submitter. Criteria: GeneDx Variant Classification (06012015). Collection method: clinical testing. Allele origin: germline. Affected: yes.
Comment: This variant is considered likely benign or benign based on one or more of the following criteria: it is a conservative change, it occurs at a poorly conserved position in the protein, it is predicted to be benign by multiple in silico algorithms, and/or has population frequency not consistent with disease.

Illumina Laboratory Services, Illumina
Classification: Benign for Progressive familial intrahepatic cholestasis type 3. Last evaluated: 2017-05-16. Review status: criteria provided, single submitter. Criteria: ICSL Variant Classification Criteria 13 December 2019. Collection method: clinical testing. Allele origin: germline.
Comment: This variant was observed as part of a predisposition screen in an ostensibly healthy population. A literature search was performed for the gene, cDNA change, and amino acid change (where applicable). No publications were found based on this search. Allele frequency data from public databases was too high to be consistent with this variant causing disease. Therefore, this variant is classified as benign.

Illumina Laboratory Services, Illumina
Classification: Benign for Cholestasis, intrahepatic, of pregnancy, 3. Last evaluated: 2017-05-16. Review status: criteria provided, single submitter. Criteria: ICSL Variant Classification Criteria 13 December 2019. Collection method: clinical testing. Allele origin: germline.
Comment: the same text as in the submission from Illumina Laboratory Services, Illumina above.

Eurofins Ntd Llc (ga)
Classification: Benign. Last evaluated: 2015-10-19. Review status: criteria provided, single submitter. Criteria: EGL Classification Definitions 2015. Collection method: clinical testing. Allele origin: germline. Observed: 1 variant allele, 1 heterozygote.

Breakthrough Genomics
Classification: Likely benign. Review status: criteria provided, single submitter. Criteria: ACMG Guidelines, 2015. Collection method: not provided. Allele origin: germline. Inheritance: Autosomal recessive inheritance. Affected: yes.

Literature cited by the submitters: PubMed 28733223 (cited by Genomenon, Inc).